The following is an entry in ClinVar:

ClinVar aggregate classification (germline): Conflicting classifications of pathogenicity. Review status: criteria provided, conflicting classifications (1 of 4 stars). 4 submissions from 4 submitters: Uncertain significance (2); Benign (1); Likely benign (1). Last evaluated 2025-08-14.

Conditions:
KIF22-related disorder. Also called: KIF22-related condition.

Allele frequency attached by ClinVar (database versions not stated): gnomAD exomes 0.00003 and 0.00009; ExAC 0.00011; ESP Exome Variant Server 0.00023; 1000 Genomes Project 30x 0.00031; gnomAD 0.00035 and 0.00040; 1000 Genomes Project 0.00040; TOPMed 0.00040.
gnomAD v4.1: 100 of 1,609,180 alleles (0.0062%); highest among the groups gnomAD compares: African/African-American, 0.12%; no homozygotes.

Submissions (4):

Labcorp Genetics (formerly Invitae), Labcorp
Classification: Benign. Last evaluated: 2025-08-14. Review status: criteria provided, single submitter. Criteria: Invitae Variant Classification Sherloc (09022015). Collection method: clinical testing. Allele origin: germline.

PreventionGenetics, part of Exact Sciences
Classification: Likely benign for KIF22-related condition. Last evaluated: 2024-11-18. Review status: criteria provided, single submitter. Criteria: ACMG Guidelines, 2015. Collection method: clinical testing. Allele origin: germline.
Comment: This variant is classified as likely benign based on ACMG/AMP sequence variant interpretation guidelines (Richards et al. 2015 PMID: 25741868, with internal and published modifications).

Ambry Genetics
Classification: Uncertain significance. Last evaluated: 2023-07-11. Review status: criteria provided, single submitter. Criteria: Ambry Variant Classification Scheme 2023. Collection method: clinical testing. Allele origin: germline.

Eurofins Ntd Llc (ga)
Classification: Uncertain significance. Last evaluated: 2015-10-08. Review status: criteria provided, single submitter. Criteria: EGL Classification Definitions 2015. Collection method: clinical testing. Allele origin: germline. Observed: 1 variant allele, 1 heterozygote.

NM_007317.3(KIF22):c.1619A>T (p.Gln540Leu)

Gene: KIF22 (kinesin family member 22; plus strand). Cytogenetic location: 16p11.2.
Variant type: single nucleotide variant.
Coding change: c.1619A>T on transcript NM_007317.3 (MANE Select); coding-DNA position 1619, A replaced by T.
Protein change: p.Gln540Leu; replaces glutamine 540 with leucine.
Molecular consequence: missense variant.
Genome position (GRCh38, 1-based): chr16:29,804,007, A>T. VCF-style: chr16-29804007-A-T. GRCh37 (hg19) VCF-style: chr16-29815328-A-T.
Other names: c.1415A>T, p.Gln472Leu (NM_001256269.2, NM_001256270.1); c.1619A>T (NM_007317.1); short protein forms Q540L, Q472L.
Identifiers: ClinVar variation 283604 (VCV000283604.19), dbSNP rs148628152, ClinGen allele CA7993356.